The following is an entry in ClinVar:

NM_003024.3(ITSN1):c.973G>A (p.Val325Ile)

Gene: ITSN1 (intersectin 1; plus strand). Cytogenetic location: 21q22.11.
Variant type: single nucleotide variant.
Coding change: c.973G>A on transcript NM_003024.3 (MANE Select); coding-DNA position 973, G replaced by A.
Protein change: p.Val325Ile; replaces valine 325 with isoleucine.
Molecular consequence: missense variant.
Genome position (GRCh38, 1-based): chr21:33,767,759, G>A. VCF-style: chr21-33767759-G-A. GRCh37 (hg19) VCF-style: chr21-35140063-G-A.
Other names: c.973G>A, p.Val325Ile (NM_001001132.2, NM_001331008.2, NM_001331009.2 and 2 more transcripts); c.862G>A, p.Val288Ile (NM_001331012.2); short protein forms V288I, V325I.
Identifiers: ClinVar variation 2632053 (VCV002632053.1), dbSNP rs763065231, ClinGen allele CA10011473.

ClinVar aggregate classification (germline): Uncertain significance (1 of 4 stars; one submission).

Conditions:
ITSN1-related disorder. Also called: ITSN1-related condition.

Allele frequency attached by ClinVar (database versions not stated): ExAC 0.00001; TOPMed 0.00001.
gnomAD v4.1: 4 of 1,613,326 alleles (0.00025%); highest among the groups gnomAD compares: East Asian, 0.0022%; no homozygotes.

Submission:

PreventionGenetics, part of Exact Sciences
Classification: Uncertain significance for ITSN1-related condition. Last evaluated: 2023-03-23. Review status: criteria provided, single submitter. Criteria: ACMG Guidelines, 2015. Collection method: clinical testing. Allele origin: germline.
Comment: The ITSN1 c.973G>A variant is predicted to result in the amino acid substitution p.Val325Ile. To our knowledge, this variant has not been reported in the literature. This variant is reported in 0.00088% of alleles in individuals of European (Non-Finnish) descent in gnomAD. At this time, the clinical significance of this variant is uncertain due to the absence of conclusive functional and genetic evidence.